The following is an entry in ClinVar:

ClinVar aggregate classification (germline): Uncertain significance (1 of 4 stars; one submission).

Allele frequency attached by ClinVar (database versions not stated): gnomAD exomes 0.00002; TOPMed below 0.00001; ExAC 0.00001; gnomAD 0.00001.

Submission:

GeneDx
Classification: Uncertain significance. Last evaluated: 2019-04-23. Review status: criteria provided, single submitter. Criteria: GeneDx Variant Classification Process June 2021. Collection method: clinical testing. Allele origin: germline. Affected: yes.
Comment: Has not been previously published as pathogenic or benign to our knowledge

NM_194248.3(OTOF):c.4499G>A (p.Arg1500Gln)

Gene: OTOF (otoferlin; minus strand). Cytogenetic location: 2p23.3.
Variant type: single nucleotide variant.
Coding change: c.4499G>A on transcript NM_194248.3 (MANE Select); coding-DNA position 4499, G replaced by A.
Protein change: p.Arg1500Gln; replaces arginine 1500 with glutamine.
Molecular consequence: missense variant.
Genome position (GRCh38, 1-based): chr2:26,466,715, C>T on the plus strand (G>A on the coding strand, the complement: OTOF is on the minus strand). VCF-style: chr2-26466715-C-T. GRCh37 (hg19) VCF-style: chr2-26689583-C-T.
Other names: c.4499G>A, p.Arg1500Gln (NM_001287489.2); c.2198G>A, p.Arg733Gln (NM_004802.4, NM_194323.3); c.2429G>A, p.Arg810Gln (NM_194322.3); short protein forms R1500Q, R733Q, R810Q.
Identifiers: ClinVar variation 1305229 (VCV001305229.2), dbSNP rs766918362, ClinGen allele CA1563152.
Genomic context (GRCh38, chr2:26,466,715, plus strand): 5'-TCTCTCCCAGATGGGAGGATGAGGAGACTTGCAAGGAGGGAAAGCGACGGGAGTCTCACC[C>T]GGACCACATAGACTCGGACCAGCACATTGATGGGGTCATTGCTCGGGATGCCCTGGAACA-3'
Protein context (NP_919224.1, residues 1490-1510): INVLVRVYVV[Arg1500Gln]ATDLHPADIN